The following is an entry in ClinVar:

NM_000051.4(ATM):c.8206A>G (p.Asn2736Asp)

Genes: ATM (ATM serine/threonine kinase; plus strand), C11orf65 (chromosome 11 open reading frame 65; minus strand). Cytogenetic location: 11q22.3.
Variant type: single nucleotide variant.
Coding change: c.8206A>G on transcript NM_000051.4 (MANE Select); coding-DNA position 8206, A replaced by G.
Protein change: p.Asn2736Asp; replaces asparagine 2736 with aspartic acid.
Molecular consequence: missense variant. On other transcripts: intron variant (2).
Genome position (GRCh38, 1-based): chr11:108,335,899, A>G. VCF-style: chr11-108335899-A-G. GRCh37 (hg19) VCF-style: chr11-108206626-A-G.
Other names: c.8206A>G, p.Asn2736Asp (NM_001351834.2); c.641-26828T>C (NM_001330368.2); c.695-607T>C (NM_001351110.2); short protein forms N2736D.
Identifiers: ClinVar variation 948639 (VCV000948639.13), dbSNP rs1060501577, ClinGen allele CA382562575.

ClinVar aggregate classification (germline): Uncertain significance. Review status: criteria provided, multiple submitters, no conflicts (2 of 4 stars). 2 submissions from 2 submitters: Uncertain significance (2). Last evaluated 2025-01-23.

Conditions:
Hereditary cancer-predisposing syndrome. Also called: Tumor predisposition; Neoplastic Syndromes, Hereditary; Hereditary neoplastic syndrome; Hereditary Cancer Syndrome. Identifiers: Orphanet 140162, MedGen C0027672, MeSH D009386, MONDO:0015356.
Ataxia-telangiectasia syndrome (AT). Also called: Ataxia-telangiectasia, complementation group D; AT, COMPLEMENTATION GROUP C; ATAXIA-TELANGIECTASIA, COMPLEMENTATION GROUP A; ATAXIA-TELANGIECTASIA, FRESNO VARIANT; Ataxia-telangiectasia; Ataxia telangiectasia (A-T). Identifiers: Orphanet 100, MedGen C0004135, MONDO:0008840, OMIM 208900.

Allele frequency attached by ClinVar (database versions not stated): gnomAD exomes below 0.00001.
gnomAD v4.1: 1 of 1,614,086 alleles (0.000062%); highest among the groups gnomAD compares: Non-Finnish European, 0.000085%; no homozygotes.

Submissions (2):

Labcorp Genetics (formerly Invitae), Labcorp
Classification: Uncertain significance for Ataxia-telangiectasia syndrome. Last evaluated: 2025-01-23. Review status: criteria provided, single submitter. Criteria: Invitae Variant Classification Sherloc (09022015). Collection method: clinical testing. Allele origin: germline.
Comment: This sequence change replaces asparagine, which is neutral and polar, with aspartic acid, which is acidic and polar, at codon 2736 of the ATM protein (p.Asn2736Asp). This variant is not present in population databases (gnomAD no frequency). This variant has not been reported in the literature in individuals affected with ATM-related conditions. ClinVar contains an entry for this variant (Variation ID: 948639). Invitae Evidence Modeling of protein sequence and biophysical properties (such as structural, functional, and spatial information, amino acid conservation, physicochemical variation, residue mobility, and thermodynamic stability) has been performed for this missense variant. However, the output from this modeling did not meet the statistical confidence thresholds required to predict the impact of this variant on ATM protein function. In summary, the available evidence is currently insufficient to determine the role of this variant in disease. Therefore, it has been classified as a Variant of Uncertain Significance.

Ambry Genetics
Classification: Uncertain significance for Hereditary cancer-predisposing syndrome. Last evaluated: 2024-05-19. Review status: criteria provided, single submitter. Criteria: Ambry Variant Classification Scheme 2023. Collection method: clinical testing. Allele origin: germline.
Comment: The p.N2736D variant (also known as c.8206A>G), located in coding exon 55 of the ATM gene, results from an A to G substitution at nucleotide position 8206. The asparagine at codon 2736 is replaced by aspartic acid, an amino acid with highly similar properties. This amino acid position is well conserved in available vertebrate species. In addition, the in silico prediction for this alteration is inconclusive. Since supporting evidence is limited at this time, the clinical significance of this alteration remains unclear.